The following is an entry in ClinVar:

NM_138694.4(PKHD1):c.8173+2T>G

Gene: PKHD1 (PKHD1 ciliary IPT domain containing fibrocystin/polyductin; minus strand). Cytogenetic location: 6p12.2.
Variant type: single nucleotide variant.
Coding change: c.8173+2T>G on transcript NM_138694.4 (MANE Select); the canonical splice donor site of the intron after coding-DNA position 8173, T replaced by G.
Molecular consequence: splice donor variant.
Genome position (GRCh38, 1-based): chr6:51,836,402, A>C on the plus strand (T>G on the coding strand, the complement: PKHD1 is on the minus strand). VCF-style: chr6-51836402-A-C. GRCh37 (hg19) VCF-style: chr6-51701200-A-C.
Other names: c.8173+2T>G (NM_170724.3).
Identifiers: ClinVar variation 1068432 (VCV001068432.7), dbSNP rs2151549200, ClinGen allele CA364425675.

ClinVar aggregate classification (germline): Likely pathogenic (1 of 4 stars; one submission).

Conditions:
Autosomal recessive polycystic kidney disease (ARPKD). Also called: AR polycystic kidney disease. Identifiers: Orphanet 731, Orphanet 8378, MedGen C0085548, MeSH D017044, MONDO:0009889.

Submission:

Labcorp Genetics (formerly Invitae), Labcorp
Classification: Likely pathogenic for Autosomal recessive polycystic kidney disease. Last evaluated: 2020-08-21. Review status: criteria provided, single submitter. Criteria: Invitae Variant Classification Sherloc (09022015). Collection method: clinical testing. Allele origin: germline.
Comment: This sequence change affects a donor splice site in intron 51 of the PKHD1 gene. It is expected to disrupt RNA splicing and likely results in an absent or disrupted protein product. This variant is not present in population databases (ExAC no frequency). This variant has not been reported in the literature in individuals with PKHD1-related conditions. Algorithms developed to predict the effect of sequence changes on RNA splicing suggest that this variant may disrupt the consensus splice site, but this prediction has not been confirmed by published transcriptional studies. Donor and acceptor splice site variants typically lead to a loss of protein function (PMID: 16199547), and loss-of-function variants in PKHD1 are known to be pathogenic (PMID: 19940839). In summary, the currently available evidence indicates that the variant is pathogenic, but additional data are needed to prove that conclusively. Therefore, this variant has been classified as Likely Pathogenic.

Literature cited by the submitters: PubMed 16199547; PubMed 19940839.